The following is an entry in ClinVar:

ClinVar aggregate classification (germline): Uncertain significance (1 of 4 stars; one submission).

Conditions:
Spermatogenic failure 18. Identifiers: MedGen C4539783, MONDO:0054615, OMIM 617576.
Ciliary dyskinesia, primary, 37 (CILD37). Also called: CILIARY DYSKINESIA, PRIMARY, 37, WITH OR WITHOUT SITUS INVERSUS. Identifiers: MedGen C4539798, MONDO:0033204, OMIM 617577.

Allele frequency attached by ClinVar (database versions not stated): gnomAD 0.00002; gnomAD exomes 0.00002; TOPMed 0.00002; ExAC 0.00003.
gnomAD v4.1: 30 of 1,609,614 alleles (0.0019%); highest among the groups gnomAD compares: South Asian, 0.0033%; no homozygotes.

Submission:

Labcorp Genetics (formerly Invitae), Labcorp
Classification: Uncertain significance for Ciliary dyskinesia, primary, 37; Spermatogenic failure 18. Last evaluated: 2022-04-05. Review status: criteria provided, single submitter. Criteria: Invitae Variant Classification Sherloc (09022015). Collection method: clinical testing. Allele origin: germline.
Comment: This sequence change replaces valine, which is neutral and non-polar, with methionine, which is neutral and non-polar, at codon 697 of the DNAH1 protein (p.Val697Met). The frequency data for this variant in the population databases is considered unreliable, as metrics indicate poor data quality at this position in the gnomAD database. This variant has not been reported in the literature in individuals affected with DNAH1-related conditions. Algorithms developed to predict the effect of missense changes on protein structure and function are either unavailable or do not agree on the potential impact of this missense change (SIFT: "Deleterious"; PolyPhen-2: "Benign"; Align-GVGD: "Class C0"). In summary, the available evidence is currently insufficient to determine the role of this variant in disease. Therefore, it has been classified as a Variant of Uncertain Significance.

NM_015512.5(DNAH1):c.2089G>A (p.Val697Met)

Gene: DNAH1 (dynein axonemal heavy chain 1; plus strand). Cytogenetic location: 3p21.1.
Variant type: single nucleotide variant.
Coding change: c.2089G>A on transcript NM_015512.5 (MANE Select); coding-DNA position 2089, G replaced by A.
Protein change: p.Val697Met; replaces valine 697 with methionine.
Molecular consequence: missense variant.
Genome position (GRCh38, 1-based): chr3:52,347,957, G>A. VCF-style: chr3-52347957-G-A. GRCh37 (hg19) VCF-style: chr3-52381973-G-A.
Other names: short protein forms V697M.
Identifiers: ClinVar variation 2183782 (VCV002183782.1), dbSNP rs757769710, ClinGen allele CA2433136.